The following is an entry in ClinVar:

ClinVar aggregate classification (germline): Pathogenic (1 of 4 stars; one submission).

Conditions:
Cardiovascular phenotype. Identifiers: MedGen CN230736.
Hereditary cancer-predisposing syndrome. Also called: Tumor predisposition; Hereditary neoplastic syndrome; Hereditary Cancer Syndrome; Neoplastic Syndromes, Hereditary. Identifiers: Orphanet 140162, MedGen C0027672, MeSH D009386, MONDO:0015356.

Submission:

Ambry Genetics
Classification: Pathogenic for Cardiovascular phenotype; Hereditary cancer-predisposing syndrome. Last evaluated: 2025-03-19. Review status: criteria provided, single submitter. Criteria: Ambry Variant Classification Scheme 2023. Collection method: clinical testing. Allele origin: germline.
Comment: The c.424delT pathogenic mutation, located in coding exon 5 of the LZTR1 gene, results from a deletion of one nucleotide at nucleotide position 424, causing a translational frameshift with a predicted alternate stop codon (p.S142Pfs*5). This alteration is expected to result in loss of function by premature protein truncation or nonsense-mediated mRNA decay. Loss-of-function variants in LZTR1 are related to an increased risk for schwannomas and autosomal recessive Noonan syndrome; however, such associations with autosomal dominant Noonan syndrome have not been observed (Piotrowski A et al. Nat Genet. 2014 Feb;46:182-7; Yamamoto GL et al. J Med Genet. 2015 Jun;52:413-21; Johnston JJ et al. Genet Med. 2018 10;20:1175-1185). Based on the supporting evidence, this variant is pathogenic for an increased risk of LZTR1-related schwannomatosis (SWN) and would be expected to cause autosomal recessive Noonan syndrome when present along with a second pathogenic or likely pathogenic variant on the other allele; however, the association of this alteration with autosomal dominant Noonan syndrome is unlikely.

NM_006767.4(LZTR1):c.424del (p.Ser142fs)

Gene: LZTR1 (leucine zipper like post translational regulator 1; plus strand). Cytogenetic location: 22q11.21.
Variant type: Deletion.
Coding change: c.424del on transcript NM_006767.4 (MANE Select); coding-DNA position 424, one base deleted (T; older notation c.424delT).
Protein change: p.Ser142fs; shifts the reading frame from serine 142.
Molecular consequence: frameshift variant.
Genome position (GRCh38, 1-based): chr22:20,988,033, T deleted; the last of 2 consecutive T bases (chr22:20,988,032-20,988,033); deleting either gives the same sequence. VCF-style (leftmost placement, unchanged base first): chr22-20988031-AT-A. GRCh37 (hg19) VCF-style: chr22-21342320-AT-A.
Other names: short protein forms S142fs.
Identifiers: ClinVar variation 3966471 (VCV003966471.1).